The following is an entry in ClinVar:

NM_000057.4(BLM):c.3733A>T (p.Thr1245Ser)

Gene: BLM (BLM RecQ like helicase; plus strand). Cytogenetic location: 15q26.1.
Variant type: single nucleotide variant.
Coding change: c.3733A>T on transcript NM_000057.4 (MANE Select); coding-DNA position 3733, A replaced by T.
Protein change: p.Thr1245Ser; replaces threonine 1245 with serine.
Molecular consequence: missense variant. On other transcripts: intron variant (1).
Genome position (GRCh38, 1-based): chr15:90,804,341, A>T. VCF-style: chr15-90804341-A-T. GRCh37 (hg19) VCF-style: chr15-91347571-A-T.
Other names: c.3733A>T, p.Thr1245Ser (NM_001287246.2); c.2608A>T, p.Thr870Ser (NM_001287248.2); c.3359-4796A>T (NM_001287247.2); short protein forms T1245S, T870S.
Identifiers: ClinVar variation 454141 (VCV000454141.9), dbSNP rs1555424403, ClinGen allele CA393848274.

ClinVar aggregate classification (germline): Uncertain significance (1 of 4 stars; one submission).

Conditions:
Bloom syndrome (BLM). Also called: Bloom-Torre-Machacek syndrome. Identifiers: Orphanet 125, MedGen C0005859, MONDO:0008876, OMIM 210900.

Submission:

Labcorp Genetics (formerly Invitae), Labcorp
Classification: Uncertain significance for Bloom syndrome. Last evaluated: 2017-01-12. Review status: criteria provided, single submitter. Criteria: Invitae Variant Classification Sherloc (09022015). Collection method: clinical testing. Allele origin: germline.
Comment: In summary, this variant is a novel missense change with uncertain impact on protein function. It has been classified as a Variant of Uncertain Significance. Algorithms developed to predict the effect of missense changes on protein structure and function do not agree on the potential impact of this missense change (SIFT: "Tolerated"; PolyPhen-2: "Probably Damaging"; Align-GVGD: "Class C0"). This variant is not present in population databases (ExAC no frequency) and has not been reported in the literature in individuals with a BLM-related disease. This sequence change replaces threonine with serine at codon 1245 of the BLM protein (p.Thr1245Ser). The threonine residue is moderately conserved and there is a small physicochemical difference between threonine and serine.